The following is an entry in ClinVar:

NM_001378183.1(PIEZO2):c.4010G>A (p.Arg1337Lys)

Gene: PIEZO2 (piezo type mechanosensitive ion channel component 2; minus strand). Cytogenetic location: 18p11.22.
Variant type: single nucleotide variant.
Coding change: c.4010G>A on transcript NM_001378183.1 (MANE Select); coding-DNA position 4010, G replaced by A.
Protein change: p.Arg1337Lys; replaces arginine 1337 with lysine.
Molecular consequence: missense variant.
Genome position (GRCh38, 1-based): chr18:10,752,793, C>T on the plus strand (G>A on the coding strand, the complement: PIEZO2 is on the minus strand). VCF-style: chr18-10752793-C-T. GRCh37 (hg19) VCF-style: chr18-10752791-C-T.
Other names: c.3935G>A, p.Arg1312Lys (NM_022068.4); c.4010G>A, p.Arg1337Lys (NM_001410871.1); short protein forms R1312K, R1337K.
Identifiers: ClinVar variation 3364481 (VCV003364481.3).
Genomic context (GRCh38, chr18:10,752,793, plus strand): 5'-CCCCCAAAGAGCAGGAAGTAGAAACAGGCCACCAGGTACCCCATGCAAAAGATGCTGATC[C>T]TGGTGGTCCCAGTGATGAAGATGATGGTGAGCACAAACCAGAAGAGGTAGCTGAAGATGA-3'
Protein context (NP_001365112.1, residues 1327-1347): LTIIFITGTT[Arg1337Lys]ISIFCMGYLV

ClinVar aggregate classification (germline): Uncertain significance. Review status: criteria provided, multiple submitters, no conflicts (2 of 4 stars). 2 submissions from 2 submitters: Uncertain significance (2). Last evaluated 2026-03-11.

Conditions:
PIEZO2-related disorder. Also called: PIEZO2-related condition; PIEZO2-related disorders.

Submissions (2):

GeneDx
Classification: Uncertain significance. Last evaluated: 2026-03-11. Review status: criteria provided, single submitter. Criteria: GeneDx Variant Classification Process June 2021. Collection method: clinical testing. Allele origin: germline.
Comment: Not observed at significant frequency in large population cohorts (gnomAD); In silico analysis supports that this missense variant has a deleterious effect on protein structure/function; Has not been previously published as pathogenic or benign to our knowledge.

3billion
Classification: Uncertain significance for PIEZO2-related disorder. Last evaluated: 2025-04-11. Review status: criteria provided, single submitter. Criteria: ACMG Guidelines, 2015. Collection method: clinical testing. Allele origin: germline. Affected: yes.